The following is an entry in ClinVar:

ClinVar aggregate classification (germline): Likely benign (0 of 4 stars; one submission).

Conditions:
NCAM2-related disorder. Also called: NCAM2-related condition.

Allele frequency attached by ClinVar (database versions not stated): 1000 Genomes Project 30x 0.00094; 1000 Genomes Project 0.00100; TOPMed 0.00115; ESP Exome Variant Server 0.00159; gnomAD 0.00175; gnomAD exomes 0.00212; ExAC 0.00224.
gnomAD v4.1: 3,374 of 1,612,448 alleles (0.21%); highest among the groups gnomAD compares: South Asian, 0.39%; 6 homozygotes.

Submission:

PreventionGenetics, part of Exact Sciences
Classification: Likely benign for NCAM2-related condition. Last evaluated: 2019-10-28. Review status: no assertion criteria provided. Collection method: clinical testing. Allele origin: germline.
Comment: This variant is classified as likely benign based on ACMG/AMP sequence variant interpretation guidelines (Richards et al. 2015 PMID: 25741868, with internal and published modifications).

NM_004540.5(NCAM2):c.246T>C (p.Asn82=)

Gene: NCAM2 (neural cell adhesion molecule 2; plus strand). Cytogenetic location: 21q21.1.
Variant type: single nucleotide variant.
Coding change: c.246T>C on transcript NM_004540.5 (MANE Select); coding-DNA position 246, T replaced by C.
Protein change: p.Asn82=; no amino-acid change (asparagine 82 retained).
Molecular consequence: synonymous variant. On other transcripts: intron variant (1).
Genome position (GRCh38, 1-based): chr21:21,284,309, T>C. VCF-style: chr21-21284309-T-C. GRCh37 (hg19) VCF-style: chr21-22656629-T-C.
Other names: c.246T>C, p.Asn82= (NM_001352591.2, NM_001352593.2, NM_001352594.2 and 1 more transcripts); c.321T>C, p.Asn107= (NM_001352592.2, NM_001352597.2); c.56-7795T>C (NM_001352595.2).
Identifiers: ClinVar variation 3042988 (VCV003042988.2), dbSNP rs182642680, ClinGen allele CA9985024.